The following is an entry in ClinVar:

NM_006348.5(COG5):c.2129_2131del (p.Ser710_Asp711delinsTyr)

Gene: COG5 (component of oligomeric golgi complex 5; minus strand). Cytogenetic location: 7q22.3.
Variant type: Deletion.
Coding change: c.2129_2131del on transcript NM_006348.5 (MANE Select); coding-DNA positions 2129 to 2131, 3 bases deleted (CTG; older notation c.2129_2131delCTG).
Protein change: p.Ser710_Asp711delinsTyr.
Molecular consequence: inframe indel. On other transcripts: intron variant (1).
Genome position (GRCh38, 1-based): chr7:107,230,652-107,230,654, CAG deleted on the plus strand (CTG on the coding strand, the reverse complement: COG5 is on the minus strand). VCF-style (leftmost placement, unchanged base first): chr7-107230651-TCAG-T. GRCh37 (hg19) VCF-style: chr7-106871096-TCAG-T.
Other names: c.2129_2131del, p.Ser710_Asp711delinsTyr (NM_001161520.2, NM_001379513.1); c.1967_1969del, p.Ser656_Asp657delinsTyr (NM_001379511.1); c.1955_1957del, p.Ser652_Asp653delinsTyr (NM_001379512.1); c.1559_1561del, p.Ser520_Asp521delinsTyr (NM_001379515.1); c.1415_1417del, p.Ser472_Asp473delinsTyr (NM_001379516.1); c.2066_2068del, p.Ser689_Asp690delinsTyr (NM_181733.4); c.1853+17742_1853+17744del (NM_001379514.1).
Identifiers: ClinVar variation 1484778 (VCV001484778.8), dbSNP rs2116403276, ClinGen allele CA2573141374.

ClinVar aggregate classification (germline): Uncertain significance (1 of 4 stars; one submission).

Conditions:
COG5-congenital disorder of glycosylation. Also called: CONGENITAL DISORDER OF GLYCOSYLATION, TYPE IIi; CDG IIi; COG5-CDG. Identifiers: Orphanet 263487, MedGen C3150876, MONDO:0013325, OMIM 613612.

Submission:

Labcorp Genetics (formerly Invitae), Labcorp
Classification: Uncertain significance for COG5-congenital disorder of glycosylation. Last evaluated: 2021-07-27. Review status: criteria provided, single submitter. Criteria: Invitae Variant Classification Sherloc (09022015). Collection method: clinical testing. Allele origin: germline.
Comment: In summary, the available evidence is currently insufficient to determine the role of this variant in disease. Therefore, it has been classified as a Variant of Uncertain Significance. Experimental studies and prediction algorithms are not available or were not evaluated, and the functional significance of this variant is currently unknown. This variant has not been reported in the literature in individuals with COG5-related conditions. This variant is not present in population databases (ExAC no frequency). This variant, c.2222_2224del, results in the deletion of 2 and insertion of 1 amino acid(s) of the COG5 protein (p.Ser741_Asp742delinsTyr), but otherwise preserves the integrity of the reading frame.